The following is an entry in ClinVar:

NM_000352.6(ABCC8):c.170A>G (p.Lys57Arg)

Gene: ABCC8 (ATP binding cassette subfamily C member 8; minus strand). Cytogenetic location: 11p15.1.
Variant type: single nucleotide variant.
Coding change: c.170A>G on transcript NM_000352.6 (MANE Select); coding-DNA position 170, A replaced by G.
Protein change: p.Lys57Arg; replaces lysine 57 with arginine.
Molecular consequence: missense variant. On other transcripts: non-coding transcript variant (1).
Genome position (GRCh38, 1-based): chr11:17,475,006, T>C on the plus strand (A>G on the coding strand, the complement: ABCC8 is on the minus strand). VCF-style: chr11-17475006-T-C. GRCh37 (hg19) VCF-style: chr11-17496553-T-C.
Other names: c.170A>G, p.Lys57Arg (NM_001287174.3, NM_001351295.2, NM_001351296.2 and 1 more transcripts); short protein forms K57R.
Identifiers: ClinVar variation 585342 (VCV000585342.8), dbSNP rs762919223, ClinGen allele CA5903953.

ClinVar aggregate classification (germline): Uncertain significance. Review status: criteria provided, multiple submitters, no conflicts (2 of 4 stars). 5 submissions from 4 submitters: Uncertain significance (4). 1 of the submissions does not count toward it. Last evaluated 2025-08-18.

Conditions:
Maturity-onset diabetes of the young (MODY). Also called: Maturity onset diabetes mellitus in young. Identifiers: Orphanet 552, MedGen C0342276, MONDO:0018911, HP:0004904.
Transitory neonatal diabetes mellitus. Also called: Transient neonatal diabetes mellitus. Identifiers: MedGen C0342273, MONDO:0020525, HP:0008255.
Hereditary hyperinsulinism.

Allele frequency attached by ClinVar (database versions not stated): ExAC 0.00001; gnomAD exomes 0.00001; TOPMed 0.00002.

Submissions (5):

Labcorp Genetics (formerly Invitae), Labcorp
Classification: Uncertain significance. Last evaluated: 2025-08-18. Review status: criteria provided, single submitter. Criteria: Invitae Variant Classification Sherloc (09022015). Collection method: clinical testing. Allele origin: germline.
Comment: This sequence change replaces lysine, which is basic and polar, with arginine, which is basic and polar, at codon 57 of the ABCC8 protein (p.Lys57Arg). This variant is present in population databases (rs762919223, gnomAD 0.002%). This variant has not been reported in the literature in individuals affected with ABCC8-related conditions. ClinVar contains an entry for this variant (Variation ID: 585342). Invitae Evidence Modeling of protein sequence and biophysical properties (such as structural, functional, and spatial information, amino acid conservation, physicochemical variation, residue mobility, and thermodynamic stability) has been performed for this missense variant. However, the output from this modeling did not meet the statistical confidence thresholds required to predict the impact of this variant on ABCC8 protein function. In summary, the available evidence is currently insufficient to determine the role of this variant in disease. Therefore, it has been classified as a Variant of Uncertain Significance.

Athena Diagnostics
Classification: Uncertain significance. Last evaluated: 2017-11-14. Review status: criteria provided, single submitter. Criteria: Athena Diagnostics Criteria. Collection method: clinical testing. Allele origin: germline.

Clinical Genomics, Uppaluri K&H Personalized Medicine Clinic
Classification: Uncertain significance for Transitory neonatal diabetes mellitus. Review status: criteria provided, single submitter. Criteria: K & H Uppaluri Personalized Medicine Clinic Variant Classification & Assertion Criteria_Updated V.1. Collection method: research. Allele origin: unknown. Inheritance: Somatic mutation.
Comment: Mutations in ABCC8 gene are associated with both neonatal diabetes mellitus as well as MODY. Patients with this mutation may have a better response to sulfonylureas. However, no sufficient evidence is found to ascertain the role of this particular variant (rs762919223) in neonatal diabetes yet.

Clinical Genomics, Uppaluri K&H Personalized Medicine Clinic
Classification: Uncertain significance for Maturity-onset diabetes of the young. Review status: criteria provided, single submitter. Criteria: K & H Uppaluri Personalized Medicine Clinic Variant Classification & Assertion Criteria_Updated V.1. Collection method: research. Allele origin: unknown. Inheritance: Somatic mutation.
Comment: Mutations in ABCC8 gene are associated with both neonatal diabetes mellitus as well as MODY. Patients with this mutation may have a better response to sulfonylureas. However, no sufficient evidence is found to ascertain the role of this particular variant (rs762919223) in MODY yet.

Natera, Inc.
Classification: Uncertain significance for Hereditary hyperinsulinism. Last evaluated: 2019-10-28. Review status: no assertion criteria provided. Collection method: clinical testing. Allele origin: germline. Not counted in ClinVar's aggregate classification.

Literature cited by the submitters: PubMed 16885549 (cited by Clinical Genomics, Uppaluri K&H Personalized Medicine Clinic); PubMed 21989597 (cited by Clinical Genomics, Uppaluri K&H Personalized Medicine Clinic); PubMed 27538677 (cited by Clinical Genomics, Uppaluri K&H Personalized Medicine Clinic); PubMed 18981553 (cited by Clinical Genomics, Uppaluri K&H Personalized Medicine Clinic); PubMed 32027066 (cited by Clinical Genomics, Uppaluri K&H Personalized Medicine Clinic); PubMed 16613899 (cited by Clinical Genomics, Uppaluri K&H Personalized Medicine Clinic); PubMed 18025408 (cited by Clinical Genomics, Uppaluri K&H Personalized Medicine Clinic); PubMed 32792356 (cited by Clinical Genomics, Uppaluri K&H Personalized Medicine Clinic).